The following is an entry in ClinVar:

ClinVar aggregate classification (germline): Conflicting classifications of pathogenicity. Review status: criteria provided, conflicting classifications (1 of 4 stars). 4 submissions from 4 submitters: Likely pathogenic (3); Uncertain significance (1). Last evaluated 2025-11-12.

Conditions:
COL12A1-related disorder. Also called: COL12A1-related condition.
Ullrich congenital muscular dystrophy 2 (UCMD2). Identifiers: Orphanet 75840, MedGen C4225314, MONDO:0014654, OMIM 616470.
Bethlem myopathy 2 (BTHLM2). Identifiers: Orphanet 536516, Orphanet 610, MedGen C4225313, MONDO:0034022, OMIM 616471.

Allele frequency attached by ClinVar (database versions not stated): gnomAD exomes below 0.00001; gnomAD 0.00001; TOPMed 0.00002.
gnomAD v4.1: 3 of 1,613,216 alleles (0.00019%); highest among the groups gnomAD compares: Non-Finnish European, 0.00025%; no homozygotes.

Submissions (4):

Labcorp Genetics (formerly Invitae), Labcorp
Classification: Uncertain significance for Bethlem myopathy 2; Ullrich congenital muscular dystrophy 2. Last evaluated: 2025-11-12. Review status: criteria provided, single submitter. Criteria: Invitae Variant Classification Sherloc (09022015). Collection method: clinical testing. Allele origin: germline.
Comment: This sequence change creates a premature translational stop signal (p.Arg1104*) in the COL12A1 gene. Multiple COL12A1 isoforms have been reported, and the functional impact of this variant is uncertain (PMID: 8601036). This variant is not present in population databases (gnomAD no frequency). This variant has not been reported in the literature in individuals affected with COL12A1-related conditions. ClinVar contains an entry for this variant (Variation ID: 475858). Experimental studies and prediction algorithms are not available or were not evaluated, and the functional significance of this variant is currently unknown. In summary, the available evidence is currently insufficient to determine the role of this variant in disease. Therefore, it has been classified as a Variant of Uncertain Significance.

PreventionGenetics, part of Exact Sciences
Classification: Likely pathogenic for COL12A1-related condition. Last evaluated: 2025-07-08. Review status: criteria provided, single submitter. Criteria: ACMG Guidelines, 2015. Collection method: clinical testing. Allele origin: germline.
Comment: The COL12A1 c.3310C>T variant is predicted to result in premature protein termination (p.Arg1104*). To our knowledge, this variant has not been reported in the literature or in a large population database (gnomAD), indicating this variant is rare. Nonsense variants in COL12A1 are expected to be pathogenic. This variant is interpreted as likely pathogenic.

Revvity Omics, Revvity
Classification: Likely pathogenic. Last evaluated: 2024-07-05. Review status: criteria provided, single submitter. Criteria: ACMG Guidelines, 2015. Collection method: clinical testing. Allele origin: germline.

GeneDx
Classification: Likely pathogenic. Last evaluated: 2024-02-13. Review status: criteria provided, single submitter. Criteria: GeneDx Variant Classification Process June 2021. Collection method: clinical testing. Allele origin: germline. Affected: yes.
Comment: Nonsense variant predicted to result in protein truncation or nonsense mediated decay in a gene for which loss of function is a known mechanism of disease; Not observed at significant frequency in large population cohorts (gnomAD); Has not been previously published as pathogenic or benign to our knowledge

Literature cited by the submitters: PubMed 8601036 (cited by Labcorp Genetics (formerly Invitae), Labcorp).

NM_004370.6(COL12A1):c.3310C>T (p.Arg1104Ter)

Gene: COL12A1 (collagen type XII alpha 1 chain; minus strand). Cytogenetic location: 6q13.
Variant type: single nucleotide variant.
Coding change: c.3310C>T on transcript NM_004370.6 (MANE Select); coding-DNA position 3310, C replaced by T.
Protein change: p.Arg1104Ter; replaces arginine 1104 with a stop codon.
Molecular consequence: nonsense. On other transcripts: intron variant (1).
Genome position (GRCh38, 1-based): chr6:75,155,795, G>A on the plus strand (C>T on the coding strand, the complement: COL12A1 is on the minus strand). VCF-style: chr6-75155795-G-A. GRCh37 (hg19) VCF-style: chr6-75865511-G-A.
Other names: c.74-3313C>T (NM_080645.3); short protein forms R1104*.
Identifiers: ClinVar variation 475858 (VCV000475858.14), dbSNP rs1329022055, ClinGen allele CA364752807.
Genomic context (GRCh38, chr6:75,155,795, plus strand): 5'-TAGGGTGGAATGTGACTTTATAACCCTTCACTTCCCCAGGGGCAGGCTCCCAAGTCACTC[G>A]GAAGCTTGACATGGTTGGGTCAGATGTTTTGAGGTTTCTAGGAGACTTAAACCGAGAAGC-3'